The following is an entry in ClinVar:

ClinVar aggregate classification (germline): Uncertain significance (1 of 4 stars; one submission).

Conditions:
Joubert syndrome. Also called: CEREBELLOPARENCHYMAL DISORDER IV; JOUBERT-BOLTSHAUSER SYNDROME; Familial aplasia of the vermis. Identifiers: Orphanet 475, MedGen C5979921, MONDO:0018772.
Meckel-Gruber syndrome. Also called: DYSENCEPHALIA SPLANCHNOCYSTICA; GRUBER SYNDROME; Dysencephalia splachnocystica. Identifiers: Orphanet 564, MedGen C0265215, MONDO:0018921.

Allele frequency attached by ClinVar (database versions not stated): gnomAD exomes below 0.00001.
gnomAD v4.1: 3 of 1,613,866 alleles (0.00019%); highest among the groups gnomAD compares: Non-Finnish European, 0.00025%; no homozygotes.

Submission:

Labcorp Genetics (formerly Invitae), Labcorp
Classification: Uncertain significance for Joubert syndrome; Meckel-Gruber syndrome. Last evaluated: 2023-07-25. Review status: criteria provided, single submitter. Criteria: Invitae Variant Classification Sherloc (09022015). Collection method: clinical testing. Allele origin: germline.
Comment: Advanced modeling of protein sequence and biophysical properties (such as structural, functional, and spatial information, amino acid conservation, physicochemical variation, residue mobility, and thermodynamic stability) performed at Invitae indicates that this missense variant is expected to disrupt TMEM67 protein function. In summary, the available evidence is currently insufficient to determine the role of this variant in disease. Therefore, it has been classified as a Variant of Uncertain Significance. Algorithms developed to predict the effect of sequence changes on RNA splicing suggest that this variant may disrupt the consensus splice site. This variant has not been reported in the literature in individuals affected with TMEM67-related conditions. This variant is not present in population databases (gnomAD no frequency). This sequence change replaces glycine, which is neutral and non-polar, with arginine, which is basic and polar, at codon 155 of the TMEM67 protein (p.Gly155Arg).

NM_153704.6(TMEM67):c.463G>A (p.Gly155Arg)

Gene: TMEM67 (transmembrane protein 67; plus strand). Cytogenetic location: 8q22.1.
Variant type: single nucleotide variant.
Coding change: c.463G>A on transcript NM_153704.6 (MANE Select); coding-DNA position 463, G replaced by A.
Protein change: p.Gly155Arg; replaces glycine 155 with arginine.
Molecular consequence: missense variant. On other transcripts: non-coding transcript variant (1).
Genome position (GRCh38, 1-based): chr8:93,763,898, G>A. VCF-style: chr8-93763898-G-A. GRCh37 (hg19) VCF-style: chr8-94776126-G-A.
Other names: c.220G>A, p.Gly74Arg (NM_001142301.1); short protein forms G155R, G74R.
Identifiers: ClinVar variation 2949908 (VCV002949908.3), dbSNP rs2536784691, ClinGen allele CA371686402.
Genomic context (GRCh38, chr8:93,763,898, plus strand): 5'-TCAGTGGAAAGAGACATTAATGGAACATTGTTGTCTCAAGCAACTTGTGAGCTCTGTGAT[G>A]GAAATGAAAACTCTTTTATGGTAGTAAATGCTTTAGGAGACAGGTAAGCAGTGTGATGGG-3'
Protein context (NP_714915.3, residues 145-165): LSQATCELCD[Gly155Arg]NENSFMVVNA